The following is an entry in ClinVar:

NM_006918.5(SC5D):c.*3699G>A

Gene: SC5D (sterol-C5-desaturase; plus strand). Cytogenetic location: 11q24.1.
Variant type: single nucleotide variant.
Coding change: c.*3699G>A on transcript NM_006918.5 (MANE Select); 3699 bases downstream of the stop codon, G replaced by A.
Molecular consequence: 3 prime UTR variant.
Genome position (GRCh38, 1-based): chr11:121,311,211, G>A. VCF-style: chr11-121311211-G-A. GRCh37 (hg19) VCF-style: chr11-121181920-G-A.
Other names: c.*3699G>A (NM_001024956.3).
Identifiers: ClinVar variation 878217 (VCV000878217.4), dbSNP rs546816764, ClinGen allele CA229860675.

ClinVar aggregate classification (germline): Likely benign (1 of 4 stars; one submission).

Conditions:
Lathosterolosis. Also called: SC5D DEFICIENCY; STEROL C5-DESATURASE DEFICIENCY. Identifiers: Orphanet 46059, MedGen C1846421, MONDO:0011816, OMIM 607330.

Allele frequency attached by ClinVar (database versions not stated): gnomAD 0.00265 and 0.00287; 1000 Genomes Project 0.00280; TOPMed 0.00315; 1000 Genomes Project 30x 0.00406.

Submission:

Illumina Laboratory Services, Illumina
Classification: Likely benign for Lathosterolosis. Last evaluated: 2018-01-12. Review status: criteria provided, single submitter. Criteria: ICSL Variant Classification Criteria 13 December 2019. Collection method: clinical testing. Allele origin: germline.
Comment: This variant was observed in the ICSL laboratory as part of a predisposition screen in an ostensibly healthy population. It had not been previously curated by ICSL or reported in the Human Gene Mutation Database (HGMD: prior to June 1st, 2018), and was therefore a candidate for classification through an automated scoring system. Utilizing variant allele frequency, disease prevalence and penetrance estimates, and inheritance mode, an automated score was calculated to assess if this variant is too frequent to cause the disease. Based on the score and internal cut-off values, a variant classified as likely benign is not then subjected to further curation. The score for this variant resulted in a classification of likely benign for this disease.